The following is an entry in ClinVar:

ClinVar aggregate classification (germline): Pathogenic. Review status: criteria provided, multiple submitters, no conflicts (2 of 4 stars). 9 submissions from 9 submitters: Pathogenic (7). 2 of the submissions do not count toward it. Last evaluated 2025-01-08.

Conditions:
Rare genetic deafness. Identifiers: Orphanet 96210, MedGen C5680250.
Autosomal recessive nonsyndromic hearing loss 4 (DFNB4). Also called: Nonsyndromic enlarged vestibular aqueduct (NSEVA); FOXI1-Related Pendred Syndrome; KCNJ10-Related Pendred Syndrome; Deafness, autosomal recessive 4, with enlarged vestibular aqueduct; DEAFNESS, AUTOSOMAL RECESSIVE 4, WITH ENLARGED VESTIBULAR AQUEDUCT, DIGENIC; NEUROSENSORY NONSYNDROMIC RECESSIVE DEAFNESS 4. Identifiers: Orphanet 90636, MedGen C3538946, MONDO:0010933, OMIM 600791.
Pendred syndrome (PDS). Also called: Pendred's syndrome; DEAFNESS WITH GOITER; GOITER-DEAFNESS SYNDROME; HYPOTHYROIDISM, CONGENITAL, DUE TO DYSHORMONOGENESIS, 2B; Pendred Syndrome (PDS); THYROID DYSHORMONOGENESIS 2B. Identifiers: Orphanet 705, MedGen C0271829, MONDO:0010134, OMIM 274600.

Allele frequency attached by ClinVar (database versions not stated): gnomAD exomes below 0.00001; ExAC 0.00001; TOPMed 0.00001.
gnomAD v4.1: 2 of 1,611,300 alleles (0.00012%); highest among the groups gnomAD compares: East Asian, 0.0045%; no homozygotes.

Submissions (9):

Natera, Inc.
Classification: Pathogenic for Pendred syndrome. Last evaluated: 2025-01-08. Review status: criteria provided, single submitter. Criteria: Natera Variant Classification Schema (03/2026). Collection method: clinical testing. Allele origin: germline.
Comment: The c.589G>A variant in SLC26A4 is a missense variant predicted to cause substitution of glycine to arginine at amino acid 197. This variant is rare in the general population with a frequency below the threshold expected for the associated phenotype(s). Computational prediction algorithms indicate this variant is likely to affect gene or protein function. Given the available evidence, this variant is classified as Pathogenic.

Fulgent Genetics
Classification: Pathogenic for Pendred syndrome; Autosomal recessive nonsyndromic hearing loss 4. Last evaluated: 2024-03-20. Review status: criteria provided, single submitter. Criteria: ACMG Guidelines, 2015. Collection method: clinical testing. Allele origin: germline.

Baylor Genetics
Classification: Pathogenic for Autosomal recessive nonsyndromic hearing loss 4. Last evaluated: 2024-03-13. Review status: criteria provided, single submitter. Criteria: ACMG Guidelines, 2015. Collection method: clinical testing. Allele origin: unknown.

Labcorp Genetics (formerly Invitae), Labcorp
Classification: Pathogenic. Last evaluated: 2024-01-03. Review status: criteria provided, single submitter. Criteria: Invitae Variant Classification Sherloc (09022015). Collection method: clinical testing. Allele origin: germline.
Comment: This sequence change replaces glycine, which is neutral and non-polar, with arginine, which is basic and polar, at codon 197 of the SLC26A4 protein (p.Gly197Arg). This variant is present in population databases (rs111033380, gnomAD 0.006%). This missense change has been observed in individuals with SLC26A4-related conditions (PMID: 17718863, 21961810, 23385134, 28576516). It has also been observed to segregate with disease in related individuals. ClinVar contains an entry for this variant (Variation ID: 43562). Advanced modeling of protein sequence and biophysical properties (such as structural, functional, and spatial information, amino acid conservation, physicochemical variation, residue mobility, and thermodynamic stability) performed at Invitae indicates that this missense variant is expected to disrupt SLC26A4 protein function with a positive predictive value of 95%. For these reasons, this variant has been classified as Pathogenic.

Genome-Nilou Lab
Classification: Pathogenic for Pendred syndrome. Last evaluated: 2021-09-05. Review status: criteria provided, single submitter. Criteria: ACMG Guidelines, 2015. Collection method: clinical testing. Allele origin: germline. Affected: no.

Women's Health and Genetics/Laboratory Corporation of America, LabCorp
Classification: Pathogenic for Pendred syndrome. Last evaluated: 2021-08-02. Review status: criteria provided, single submitter. Criteria: LabCorp Variant Classification Summary - May 2015. Collection method: clinical testing. Allele origin: germline.
Comment: Variant summary: SLC26A4 c.589G>A (p.Gly197Arg) results in a non-conservative amino acid change located in the SLC26A/SulP transporter domain of the encoded protein sequence. Five of five in-silico tools predict a damaging effect of the variant on protein function. The variant allele was found at a frequency of 4e-06 in 251396 control chromosomes. c.589G>A has been reported in the literature in multiple individuals affected with SLC26A4-related conditions (e.g. Chai_2013, Luo_2020). These data indicate that the variant is very likely to be associated with disease. Two clinical diagnostic laboratories have submitted clinical-significance assessments for this variant to ClinVar after 2014 without evidence for independent evaluation. Both laboratories classified the variant as pathogenic/likely pathogenic. Based on the evidence outlined above, the variant was classified as pathogenic.

Juno Genomics, Hangzhou Juno Genomics, Inc
Classification: Pathogenic for Autosomal recessive nonsyndromic hearing loss 4; Pendred syndrome. Review status: criteria provided, single submitter. Criteria: ACMG Guidelines, 2015. Collection method: clinical testing. Allele origin: germline. Affected: yes.
Comment: Absent from controls (or at extremely low frequency if recessive) in Genome Aggregation Database, Exome Sequencing Project, 1000 Genomes Project, or Exome Aggregation Consortium.;For recessive disorders, detected in trans with a pathogenic variant.;Patient's phenotype or family history is highly specific for a disease with a single genetic etiology.;Co-segregation with disease in multiple affected family members in a gene definitively known to cause the disease.;Multiple lines of computational evidence support a deleterious effect on the gene or gene product (conservation, evolutionary, splicing impact, etc).

Genetic Testing Center for Deafness, Department of Otolaryngology Head & Neck Surgery, Institute of Otolaryngology, Chinese PLA General Hospital
Classification: Likely pathogenic for Autosomal recessive nonsyndromic hearing loss 4. Last evaluated: 2019-02-26. Review status: no assertion criteria provided. Collection method: case-control. Allele origin: inherited. Affected: yes. Observed: 1 variant allele. Not counted in ClinVar's aggregate classification.

Laboratory for Molecular Medicine, Mass General Brigham Personalized Medicine
Classification: Likely pathogenic for Rare genetic deafness. Last evaluated: 2008-01-02. Review status: no assertion criteria provided. Collection method: clinical testing. Allele origin: germline. Observed: 1 variant allele. Not counted in ClinVar's aggregate classification.

Literature cited by the submitters: PubMed 17718863 (cited by Labcorp Genetics (formerly Invitae), Labcorp and Laboratory for Molecular Medicine, Mass General Brigham Personalized Medicine); PubMed 21961810 (cited by Labcorp Genetics (formerly Invitae), Labcorp); PubMed 23385134 (cited by Labcorp Genetics (formerly Invitae), Labcorp); PubMed 28576516 (cited by Labcorp Genetics (formerly Invitae), Labcorp); PubMed 23918157 (cited by Women's Health and Genetics/Laboratory Corporation of America, LabCorp); PubMed 31124793 (cited by Women's Health and Genetics/Laboratory Corporation of America, LabCorp).

NM_000441.2(SLC26A4):c.589G>A (p.Gly197Arg)

Gene: SLC26A4 (solute carrier family 26 member 4; plus strand). Cytogenetic location: 7q22.3.
Variant type: single nucleotide variant.
Coding change: c.589G>A on transcript NM_000441.2 (MANE Select); coding-DNA position 589, G replaced by A.
Protein change: p.Gly197Arg; replaces glycine 197 with arginine.
Molecular consequence: missense variant.
Genome position (GRCh38, 1-based): chr7:107,674,337, G>A. VCF-style: chr7-107674337-G-A. GRCh37 (hg19) VCF-style: chr7-107314782-G-A.
Other names: short protein forms G197R.
Identifiers: ClinVar variation 43562 (VCV000043562.26), dbSNP rs111033380, ClinGen allele CA261433.